The following is an entry in ClinVar:

NC_000019.9:g.(?_33324092)_(33329064_?)del

Gene: SLC7A9 (solute carrier family 7 member 9; minus strand). Cytogenetic location: 19q13.11.
Variant type: Deletion.
Identifiers: ClinVar variation 1519023 (VCV001519023.4).

ClinVar aggregate classification (germline): Likely pathogenic (1 of 4 stars; one submission).

Submission:

Labcorp Genetics (formerly Invitae), Labcorp
Classification: Likely pathogenic. Last evaluated: 2021-06-18. Review status: criteria provided, single submitter. Criteria: Invitae Variant Classification Sherloc (09022015). Collection method: clinical testing. Allele origin: germline.
Comment: In summary, the currently available evidence indicates that the variant is pathogenic, but additional data are needed to prove that conclusively. Therefore, this variant has been classified as Likely Pathogenic. A similar copy number variant has been observed in individual(s) with cystinuria (PMID: 15635077). This variant results in the deletion of part of exon 12 (c.1224+4010_1362delinsA) of the SLC7A9 gene. It is expected to disrupt RNA splicing. Variants that disrupt the donor or acceptor splice site typically lead to a loss of protein function (PMID: 16199547), and loss-of-function variants in SLC7A9 are known to be pathogenic (PMID: 11157794, 16838140, 25296721).

Literature cited by the submitters: PubMed 15635077; PubMed 16199547; PubMed 11157794; PubMed 16838140; PubMed 25296721.